The following is an entry in ClinVar:

NM_005612.5(REST):c.863A>G (p.Lys288Arg)

Gene: REST (RE1 silencing transcription factor; plus strand). Cytogenetic location: 4q12.
Variant type: single nucleotide variant.
Coding change: c.863A>G on transcript NM_005612.5 (MANE Select); coding-DNA position 863, A replaced by G.
Protein change: p.Lys288Arg; replaces lysine 288 with arginine.
Molecular consequence: missense variant.
Genome position (GRCh38, 1-based): chr4:56,911,501, A>G. VCF-style: chr4-56911501-A-G. GRCh37 (hg19) VCF-style: chr4-57777667-A-G.
Other names: c.863A>G, p.Lys288Arg (NM_001193508.2, NM_001363453.3); short protein forms K288R.
Identifiers: ClinVar variation 1524774 (VCV001524774.8), dbSNP rs2109525486, ClinGen allele CA357005004.
Genomic context (GRCh38, chr4:56,911,501, plus strand): 5'-GAAACCATTTTCCAAGGAAAGTATACACATGTGGAAAATGCAACTATTTTTCAGACAGAA[A>G]AAACAATTATGTTCAGCATGTTAGAACTCATACAGGTAAGAGAAGCTTTCTAGTCCATAA-3'
Protein context (NP_005603.3, residues 278-298): CGKCNYFSDR[Lys288Arg]NNYVQHVRTH

ClinVar aggregate classification (germline): Uncertain significance (1 of 4 stars; one submission).

Submission:

Labcorp Genetics (formerly Invitae), Labcorp
Classification: Uncertain significance. Last evaluated: 2021-07-26. Review status: criteria provided, single submitter. Criteria: Invitae Variant Classification Sherloc (09022015). Collection method: clinical testing. Allele origin: germline.
Comment: In summary, the available evidence is currently insufficient to determine the role of this variant in disease. Therefore, it has been classified as a Variant of Uncertain Significance. Algorithms developed to predict the effect of missense changes on protein structure and function (SIFT, PolyPhen-2, Align-GVGD) all suggest that this variant is likely to be disruptive. This variant has not been reported in the literature in individuals affected with REST-related conditions. This variant is not present in population databases (ExAC no frequency). This sequence change replaces lysine with arginine at codon 288 of the REST protein (p.Lys288Arg). The lysine residue is highly conserved and there is a small physicochemical difference between lysine and arginine.